The following is an entry in ClinVar:

ClinVar aggregate classification (germline): Benign/Likely benign. Review status: criteria provided, multiple submitters, no conflicts (2 of 4 stars). 2 submissions from 2 submitters: Benign (1); Likely benign (1). Last evaluated 2021-05-14.

Conditions:
Danon disease. Also called: ANTOPOL DISEASE; PSEUDOGLYCOGENOSIS II; GSD IIb; LYSOSOMAL GLYCOGEN STORAGE DISEASE WITHOUT ACID MALTASE DEFICIENCY; Glycogen Storage Disease Type IIb. Identifiers: Orphanet 34587, MedGen C0878677, MONDO:0010281, OMIM 300257.

Allele frequency attached by ClinVar (database versions not stated): 1000 Genomes Project 0.00318; 1000 Genomes Project 30x 0.00375; gnomAD 0.01071 and 0.01188; TOPMed 0.01157; gnomAD exomes 0.01644.
gnomAD v4.1: 1,328 of 113,440 alleles (1.2%); highest among the groups gnomAD compares: Non-Finnish European, 1.8%; 13 homozygotes.

Submissions (2):

GeneDx
Classification: Likely benign. Last evaluated: 2021-05-14. Review status: criteria provided, single submitter. Criteria: GeneDx Variant Classification Process June 2021. Collection method: clinical testing. Allele origin: germline. Affected: yes.

Illumina Laboratory Services, Illumina
Classification: Benign for Danon disease. Last evaluated: 2018-01-12. Review status: criteria provided, single submitter. Criteria: ICSL Variant Classification Criteria 13 December 2019. Collection method: clinical testing. Allele origin: germline.
Comment: This variant was observed in the ICSL laboratory as part of a predisposition screen in an ostensibly healthy population. It had not been previously curated by ICSL or reported in the Human Gene Mutation Database (HGMD: prior to June 1st, 2018), and was therefore a candidate for classification through an automated scoring system. Utilizing variant allele frequency, disease prevalence and penetrance estimates, and inheritance mode, an automated score was calculated to assess if this variant is too frequent to cause the disease. Based on the score and internal cut-off values, a variant classified as benign is not then subjected to further curation. The score for this variant resulted in a classification of benign for this disease.

NM_002294.3(LAMP2):c.*3249T>C

Gene: LAMP2 (lysosome associated membrane protein 2; minus strand). Cytogenetic location: Xq24.
Variant type: single nucleotide variant.
Coding change: c.*3249T>C on transcript NM_002294.3 (MANE Select); 3249 bases downstream of the stop codon, T replaced by C.
Molecular consequence: 3 prime UTR variant.
Genome position (GRCh38, 1-based): chrX:120,428,074, A>G on the plus strand (T>C on the coding strand, the complement: LAMP2 is on the minus strand). VCF-style: chrX-120428074-A-G. GRCh37 (hg19) VCF-style: chrX-119561929-A-G.
Other names: c.*410T>C (NM_001122606.1).
Identifiers: ClinVar variation 367750 (VCV000367750.7), dbSNP rs41300908, ClinGen allele CA10645845.